The following is an entry in ClinVar:

NM_006514.4(SCN10A):c.3761C>A (p.Ala1254Asp)

Gene: SCN10A (sodium voltage-gated channel alpha subunit 10; minus strand). Cytogenetic location: 3p22.2.
Variant type: single nucleotide variant.
Coding change: c.3761C>A on transcript NM_006514.4 (MANE Select); coding-DNA position 3761, C replaced by A.
Protein change: p.Ala1254Asp; replaces alanine 1254 with aspartic acid.
Molecular consequence: missense variant.
Genome position (GRCh38, 1-based): chr3:38,714,001, G>T on the plus strand (C>A on the coding strand, the complement: SCN10A is on the minus strand). VCF-style: chr3-38714001-G-T. GRCh37 (hg19) VCF-style: chr3-38755492-G-T.
Other names: c.3758C>A, p.Ala1253Asp (NM_001293306.2); c.3467C>A, p.Ala1156Asp (NM_001293307.2); short protein forms A1254D, A1253D, A1156D.
Identifiers: ClinVar variation 4744560 (VCV004744560.1).

ClinVar aggregate classification (germline): Uncertain significance (1 of 4 stars; one submission).

Conditions:
Brugada syndrome. Also called: Sudden Unexplained Death Syndrome; Sudden unexpected nocturnal death syndrome; Sudden Unexplained Nocturnal Death Syndrome (SUNDS); Sudden unexplained nocturnal death syndrome. Identifiers: Orphanet 130, MedGen C1142166, MONDO:0015263.

Submission:

Labcorp Genetics (formerly Invitae), Labcorp
Classification: Uncertain significance for Brugada syndrome. Last evaluated: 2025-09-23. Review status: criteria provided, single submitter. Criteria: Invitae Variant Classification Sherloc (09022015). Collection method: clinical testing. Allele origin: germline.
Comment: This sequence change replaces alanine, which is neutral and non-polar, with aspartic acid, which is acidic and polar, at codon 1254 of the SCN10A protein (p.Ala1254Asp). This variant is not present in population databases (gnomAD no frequency). This variant has not been reported in the literature in individuals affected with SCN10A-related conditions. Invitae Evidence Modeling of protein sequence and biophysical properties (such as structural, functional, and spatial information, amino acid conservation, physicochemical variation, residue mobility, and thermodynamic stability) indicates that this missense variant is expected to disrupt SCN10A protein function with a positive predictive value of 80%. In summary, the available evidence is currently insufficient to determine the role of this variant in disease. Therefore, it has been classified as a Variant of Uncertain Significance.